The following is an entry in ClinVar:

NM_015021.3(ZNF292):c.61G>C (p.Glu21Gln)

Genes: ZNF292 (zinc finger protein 292; plus strand), LOC129996783 (ATAC-STARR-seq lymphoblastoid active region 24794; plus strand). Cytogenetic location: 6q14.3.
Variant type: single nucleotide variant.
Coding change: c.61G>C on transcript NM_015021.3 (MANE Select); coding-DNA position 61, G replaced by C.
Protein change: p.Glu21Gln; replaces glutamic acid 21 with glutamine.
Molecular consequence: missense variant. On other transcripts: 5 prime UTR variant (1).
Genome position (GRCh38, 1-based): chr6:87,155,652, G>C. VCF-style: chr6-87155652-G-C. GRCh37 (hg19) VCF-style: chr6-87865370-G-C.
Other names: c.-505G>C (NM_001351444.2); short protein forms E21Q.
Identifiers: ClinVar variation 2576539 (VCV002576539.1), dbSNP rs1770500301, ClinGen allele CA365055896.

ClinVar aggregate classification (germline): Likely pathogenic (1 of 4 stars; one submission).

Conditions:
Intellectual developmental disorder, autosomal dominant 64. Also called: MENTAL RETARDATION, AUTOSOMAL DOMINANT 64. Identifiers: MedGen C5543067, MONDO:0030934, OMIM 619188.

Submission:

Institute of Human Genetics, FAU Erlangen, Friedrich-Alexander-Universität Erlangen-Nürnberg
Classification: Likely pathogenic for Intellectual developmental disorder, autosomal dominant 64. Last evaluated: 2023-08-21. Review status: criteria provided, single submitter. Criteria: Hauer et al. (Genet Med. 2018). Collection method: clinical testing. Allele origin: germline. Inheritance: Autosomal dominant inheritance. Affected: yes. Observed: 1 variant allele.
Comment: This variant has been identified by standard clinical testing. de novo Selected ACMG criteria: Likely pathogenic (II):BP1;PM2;PS2